The following is an entry in ClinVar:

NM_001243925.2(MAPKAPK3):c.384C>T (p.Ser128=)

Gene: MAPKAPK3 (MAPK activated protein kinase 3; plus strand). Cytogenetic location: 3p21.2.
Variant type: single nucleotide variant.
Coding change: c.384C>T on transcript NM_001243925.2 (MANE Select); coding-DNA position 384, C replaced by T.
Protein change: p.Ser128=; no amino-acid change (serine 128 retained).
Molecular consequence: synonymous variant.
Genome position (GRCh38, 1-based): chr3:50,641,731, C>T. VCF-style: chr3-50641731-C-T. GRCh37 (hg19) VCF-style: chr3-50679162-C-T.
Other names: c.384C>T, p.Ser128= (NM_001243926.2, NM_004635.5).
Identifiers: ClinVar variation 1897568 (VCV001897568.5), dbSNP rs1214442364, ClinGen allele CA433709958.
Genomic context (GRCh38, chr3:50,641,731, plus strand): 5'-TTTCCCCCTCTCTGCTTATAGTCACCTCTTTTACAGCATGGAAGGTGGTGAGTTGTTCAG[C>T]AGGATTCAGGAGCGTGGCGACCAGGCTTTCACTGAGAGAGGTATGTGCATGTAGCTGGAC-3'
Protein context (NP_001230854.1, residues 118-138): MECMEGGELF[Ser128=]RIQERGDQAF

ClinVar aggregate classification (germline): Uncertain significance (1 of 4 stars; one submission).

Allele frequency attached by ClinVar (database versions not stated): gnomAD exomes below 0.00001; TOPMed 0.00001; gnomAD 0.00003.
gnomAD v4.1: 7 of 1,614,014 alleles (0.00043%); highest among the groups gnomAD compares: Admixed American, 0.012%; no homozygotes.

Submission:

Labcorp Genetics (formerly Invitae), Labcorp
Classification: Uncertain significance. Last evaluated: 2024-11-05. Review status: criteria provided, single submitter. Criteria: Invitae Variant Classification Sherloc (09022015). Collection method: clinical testing. Allele origin: germline.
Comment: This sequence change affects codon 128 of the MAPKAPK3 mRNA. It is a 'silent' change, meaning that it does not change the encoded amino acid sequence of the MAPKAPK3 protein. This variant is not present in population databases (gnomAD no frequency). This variant has not been reported in the literature in individuals affected with MAPKAPK3-related conditions. ClinVar contains an entry for this variant (Variation ID: 1897568). Algorithms developed to predict the effect of sequence changes on RNA splicing suggest that this variant may disrupt the consensus splice site. In summary, the available evidence is currently insufficient to determine the role of this variant in disease. Therefore, it has been classified as a Variant of Uncertain Significance.